The following is an entry in ClinVar:

NM_001294.4(CLPTM1):c.1039-9C>T

Gene: CLPTM1 (CLPTM1 regulator of GABA type A receptor forward trafficking; plus strand). Cytogenetic location: 19q13.32.
Variant type: single nucleotide variant.
Coding change: c.1039-9C>T on transcript NM_001294.4 (MANE Select); 9 bases into the intron before coding-DNA position 1039, C replaced by T.
Molecular consequence: intron variant.
Genome position (GRCh38, 1-based): chr19:44,988,071, C>T. VCF-style: chr19-44988071-C-T. GRCh37 (hg19) VCF-style: chr19-45491329-C-T.
Other names: c.733-9C>T (NM_001282176.2); c.997-9C>T (NM_001282175.2).
Identifiers: ClinVar variation 3052422 (VCV003052422.2), dbSNP rs1352829458, ClinGen allele CA633321716.

ClinVar aggregate classification (germline): Likely benign (0 of 4 stars; one submission).

Conditions:
CLPTM1-related disorder. Also called: CLPTM1-related condition.

Allele frequency attached by ClinVar (database versions not stated): gnomAD 0.00001; gnomAD exomes 0.00001; TOPMed 0.00001.
gnomAD v4.1: 9 of 1,605,628 alleles (0.00056%); highest among the groups gnomAD compares: African/African-American, 0.0013%; no homozygotes.

Submission:

PreventionGenetics, part of Exact Sciences
Classification: Likely benign for CLPTM1-related condition. Last evaluated: 2019-08-27. Review status: no assertion criteria provided. Collection method: clinical testing. Allele origin: germline.
Comment: This variant is classified as likely benign based on ACMG/AMP sequence variant interpretation guidelines (Richards et al. 2015 PMID: 25741868, with internal and published modifications).